The following is an entry in ClinVar:

ClinVar aggregate classification (germline): Conflicting classifications of pathogenicity. Review status: criteria provided, conflicting classifications (1 of 4 stars). 2 submissions from 2 submitters: Uncertain significance (1); Likely benign (1). Last evaluated 2024-05-30.

Conditions:
Inborn genetic diseases. Identifiers: MedGen C0950123, MeSH D030342.
Primary ciliary dyskinesia 32. Also called: CILIARY DYSKINESIA, PRIMARY, 32, WITHOUT SITUS INVERSUS. Identifiers: Orphanet 244, MedGen C4225311, MONDO:0014657, OMIM 616481.

Allele frequency attached by ClinVar (database versions not stated): gnomAD 0.00001; TOPMed 0.00003.
gnomAD v4.1: 3 of 1,610,082 alleles (0.00019%); highest among the groups gnomAD compares: Non-Finnish European, 0.00025%; no homozygotes.

Submissions (2):

Ambry Genetics
Classification: Likely benign for Inborn genetic diseases. Last evaluated: 2024-05-30. Review status: criteria provided, single submitter. Criteria: Ambry Variant Classification Scheme 2023. Collection method: clinical testing. Allele origin: germline.

Labcorp Genetics (formerly Invitae), Labcorp
Classification: Uncertain significance for Primary ciliary dyskinesia 32. Last evaluated: 2022-10-17. Review status: criteria provided, single submitter. Criteria: Invitae Variant Classification Sherloc (09022015). Collection method: clinical testing. Allele origin: germline.
Comment: In summary, the available evidence is currently insufficient to determine the role of this variant in disease. Therefore, it has been classified as a Variant of Uncertain Significance. Algorithms developed to predict the effect of missense changes on protein structure and function output the following: SIFT: "Tolerated"; PolyPhen-2: "Benign"; Align-GVGD: "Class C0". The serine amino acid residue is found in multiple mammalian species, which suggests that this missense change does not adversely affect protein function. ClinVar contains an entry for this variant (Variation ID: 645936). This variant has not been reported in the literature in individuals affected with RSPH3-related conditions. This variant is not present in population databases (gnomAD no frequency). This sequence change replaces asparagine, which is neutral and polar, with serine, which is neutral and polar, at codon 14 of the RSPH3 protein (p.Asn14Ser).

NM_031924.8(RSPH3):c.-386A>G

Genes: TAGAP-AS1 (TAGAP antisense RNA 1; plus strand), RSPH3 (radial spoke head 3; minus strand). Cytogenetic location: 6q25.3.
Variant type: single nucleotide variant.
Coding change: c.-386A>G on transcript NM_031924.8 (MANE Select); 386 bases upstream of the start codon, A replaced by G.
Molecular consequence: 5 prime UTR variant. On other transcripts: missense variant (1), non-coding transcript variant (1).
Genome position (GRCh38, 1-based): chr6:158,999,936, T>C on the plus strand (A>G on the coding strand, the complement: RSPH3 is on the minus strand). VCF-style: chr6-158999936-T-C. GRCh37 (hg19) VCF-style: chr6-159420968-T-C.
Other names: c.41A>G, p.Asn14Ser (NM_001346418.1); short protein forms N14S.
Identifiers: ClinVar variation 645936 (VCV000645936.10), dbSNP rs754166423, ClinGen allele CA151052649.